The following is an entry in ClinVar:

NM_001349253.2(SCN11A):c.3466C>T (p.Arg1156Cys)

Gene: SCN11A (sodium voltage-gated channel alpha subunit 11; minus strand). Cytogenetic location: 3p22.2.
Variant type: single nucleotide variant.
Coding change: c.3466C>T on transcript NM_001349253.2 (MANE Select); coding-DNA position 3466, C replaced by T.
Protein change: p.Arg1156Cys; replaces arginine 1156 with cysteine.
Molecular consequence: missense variant.
Genome position (GRCh38, 1-based): chr3:38,872,222, G>A on the plus strand (C>T on the coding strand, the complement: SCN11A is on the minus strand). VCF-style: chr3-38872222-G-A. GRCh37 (hg19) VCF-style: chr3-38913713-G-A.
Other names: c.3466C>T, p.Arg1156Cys (NM_014139.3); short protein forms R1156C.
Identifiers: ClinVar variation 959083 (VCV000959083.31), dbSNP rs571721216, ClinGen allele CA2321780.
Genomic context (GRCh38, chr3:38,872,222, plus strand): 5'-GAACTTCTACCCATTCTTCTGCAGAATGTACCTTCATTCCTTCAAACTGGGACAGCGCAC[G>A]AAGAGGCCTCAGTGCTCGTAGAGTCCGGAAGGACTTCAATTCCATTAAGTTAATGAGGGT-3'
Protein context (NP_001336182.1, residues 1146-1166): FRTLRALRPL[Arg1156Cys]ALSQFEGMKV

ClinVar aggregate classification (germline): Uncertain significance. Review status: criteria provided, multiple submitters, no conflicts (2 of 4 stars). 3 submissions from 3 submitters: Uncertain significance (3). Last evaluated 2024-09-24.

Conditions:
Inborn genetic diseases. Identifiers: MedGen C0950123, MeSH D030342.
Hereditary sensory and autonomic neuropathy type 7. Also called: HSAN VII; Neuropathy, hereditary sensory and autonomic, type VII. Identifiers: Orphanet 391397, MedGen C3809882, MONDO:0014244, OMIM 615548.
Familial episodic pain syndrome with predominantly lower limb involvement. Also called: Episodic pain syndrome, familial, 3. Identifiers: Orphanet 391384, Orphanet 391392, MedGen C3809899, MONDO:0014247, OMIM 615552.

Allele frequency attached by ClinVar (database versions not stated): gnomAD 0.00002; TOPMed 0.00002; gnomAD exomes 0.00003.
gnomAD v4.1: 45 of 1,607,144 alleles (0.0028%); highest among the groups gnomAD compares: Middle Eastern, 0.017%; no homozygotes.

Submissions (3):

Labcorp Genetics (formerly Invitae), Labcorp
Classification: Uncertain significance for Familial episodic pain syndrome with predominantly lower limb involvement; Hereditary sensory and autonomic neuropathy type 7. Last evaluated: 2024-09-24. Review status: criteria provided, single submitter. Criteria: Invitae Variant Classification Sherloc (09022015). Collection method: clinical testing. Allele origin: germline.
Comment: This sequence change replaces arginine, which is basic and polar, with cysteine, which is neutral and slightly polar, at codon 1156 of the SCN11A protein (p.Arg1156Cys). This variant is present in population databases (rs571721216, gnomAD 0.01%). This variant has not been reported in the literature in individuals affected with SCN11A-related conditions. ClinVar contains an entry for this variant (Variation ID: 959083). Invitae Evidence Modeling of protein sequence and biophysical properties (such as structural, functional, and spatial information, amino acid conservation, physicochemical variation, residue mobility, and thermodynamic stability) indicates that this missense variant is expected to disrupt SCN11A protein function with a positive predictive value of 80%. In summary, the available evidence is currently insufficient to determine the role of this variant in disease. Therefore, it has been classified as a Variant of Uncertain Significance.

CeGaT Center for Human Genetics Tuebingen
Classification: Uncertain significance. Last evaluated: 2024-01-01. Review status: criteria provided, single submitter. Criteria: CeGaT Center For Human Genetics Tuebingen Variant Classification Criteria Version 2. Collection method: clinical testing. Allele origin: germline. Affected: yes. Observed: 1 variant allele.

Ambry Genetics
Classification: Uncertain significance for Inborn genetic diseases. Last evaluated: 2023-02-15. Review status: criteria provided, single submitter. Criteria: Ambry Variant Classification Scheme 2023. Collection method: clinical testing. Allele origin: germline.